The following is an entry in ClinVar:

NM_000321.3(RB1):c.1390-11A>G

Gene: RB1 (RB transcriptional corepressor 1; plus strand). Cytogenetic location: 13q14.2.
Variant type: single nucleotide variant.
Coding change: c.1390-11A>G on transcript NM_000321.3 (MANE Select); 11 bases into the intron before coding-DNA position 1390, A replaced by G.
Molecular consequence: intron variant.
Genome position (GRCh38, 1-based): chr13:48,380,042, A>G. VCF-style: chr13-48380042-A-G. GRCh37 (hg19) VCF-style: chr13-48954178-A-G.
Identifiers: ClinVar variation 255821 (VCV000255821.40), dbSNP rs200658795, ClinGen allele CA028530.

ClinVar aggregate classification (germline): Conflicting classifications of pathogenicity. Review status: criteria provided, conflicting classifications (1 of 4 stars). 10 submissions from 10 submitters: Uncertain significance (1); Benign (6); Likely benign (3). Last evaluated 2026-09-01.

Conditions:
Hereditary retinoblastoma. Identifiers: Orphanet 357027, MedGen C0751483, MONDO:0018160.
Hereditary cancer-predisposing syndrome. Also called: Hereditary neoplastic syndrome; Hereditary Cancer Syndrome; Neoplastic Syndromes, Hereditary; Tumor predisposition. Identifiers: Orphanet 140162, MedGen C0027672, MeSH D009386, MONDO:0015356.
Retinoblastoma (RB1). Also called: RETINOBLASTOMA, SOMATIC. Identifiers: Orphanet 790, MedGen C0035335, MeSH D012175, MONDO:0008380, OMIM 180200, HP:0009919. Disease mechanism: loss of function. Inheritance: Both sporadic and heritable forms are tested..

Allele frequency attached by ClinVar (database versions not stated): gnomAD exomes 0.00060; ExAC 0.00168; ESP Exome Variant Server 0.00218; gnomAD 0.00340 and 0.00365; 1000 Genomes Project 0.00359; 1000 Genomes Project 30x 0.00359; TOPMed 0.00379.
gnomAD v4.1: 804 of 1,198,044 alleles (0.067%); highest among the groups gnomAD compares: African/African-American, 1.2%; 8 homozygotes.

Submissions (13):

CeGaT Center for Human Genetics Tuebingen
Classification: Likely benign. Last evaluated: 2026-09-01. Review status: criteria provided, single submitter. Criteria: CeGaT Center For Human Genetics Tuebingen Variant Classification Criteria Version 2. Collection method: clinical testing. Allele origin: germline. Affected: yes. Observed: 6 variant alleles.
Comment: RB1: BS1

Myriad Genetics, Inc.
Classification: Benign for Retinoblastoma. Last evaluated: 2026-06-24. Review status: criteria provided, single submitter. Criteria: Myriad Autosomal Dominant, Autosomal Recessive and X-Linked Classification Criteria (2023). Collection method: clinical testing. Allele origin: unknown.
Comment: This variant is considered benign. This variant is intronic and is not expected to impact mRNA splicing. This variant has been observed at a population frequency that is significantly greater than expected given the associated disease prevalence and penetrance.

Ramesar Group, Division of Human Genetics, Institute of Infectious Diseases and Molecular Medicine, UCT/MRC Genomic and Precision Medicine Research Unit, University of Cape Town
Classification: Benign for Hereditary retinoblastoma. Last evaluated: 2025-09-17. Review status: criteria provided, single submitter. Criteria: ACMG Guidelines, 2015. Collection method: research. Allele origin: germline. Affected: no.
Comment: BA1 - This variant is common in the general population (gnomAD), and is present in 4 individuals in our in-house control cohort (5%) BP5 - Variant found in a patient with a different retinal disease; RB1 is not associated with the phenotype BP7 - A non-coding variant with no predicted effect on splicing (SpliceAI scores are negligible)

Blueprint Genetics
Classification: Likely benign. Last evaluated: 2024-10-14. Review status: criteria provided, single submitter. Criteria: ACMG Guidelines, 2015. Collection method: clinical testing. Allele origin: germline.

All of Us Research Program, National Institutes of Health
Classification: Benign for Retinoblastoma. Last evaluated: 2024-02-05. Review status: criteria provided, single submitter. Criteria: ACMG Guidelines, 2015. Collection method: clinical testing. Allele origin: germline. Inheritance: Autosomal dominant inheritance. Observed: 207 variant alleles, 207 heterozygotes.
Comment: This study involves interpretation of variants in research participants for the purpose of population health screening. Participant phenotype was not available at the time of variant classification. Additional details can be found in publication PMID: 35346344, PMCID: PMC8962531

KCCC/NGS Laboratory, Kuwait Cancer Control Center
Classification: Benign for Retinoblastoma. Last evaluated: 2023-07-07. Review status: criteria provided, single submitter. Criteria: ACMG Guidelines, 2015. Collection method: clinical testing. Allele origin: germline. Affected: yes.

Color Diagnostics, LLC DBA Color Health
Classification: Benign for Retinoblastoma. Last evaluated: 2022-04-28. Review status: criteria provided, single submitter. Criteria: ACMG Guidelines, 2015. Collection method: clinical testing. Allele origin: germline.

GeneDx
Classification: Likely benign. Last evaluated: 2021-03-04. Review status: criteria provided, single submitter. Criteria: GeneDx Variant Classification Process June 2021. Collection method: clinical testing. Allele origin: germline. Affected: yes.

Ambry Genetics
Classification: Uncertain significance for Hereditary cancer-predisposing syndrome. Last evaluated: 2014-10-21. Review status: criteria provided, single submitter. Criteria: Ambry Variant Classification Scheme 2023. Collection method: clinical testing. Allele origin: germline.
Comment: The c.1390-11A>G intronic variant results from an A to G substitution 11 nucleotides upstream from coding exon 15 in the RB1 gene. This variant was previously reported in the SNPDatabase as rs200658795. Based on data from the 1000 Genomes Project, the G allele has an overall frequency of approximately 0.1% (2/2,098) total alleles studied. The highest observed frequency was 0.57% (1/176) Yoruba alleles. Based on data from the NHLBI Exome Sequencing Project (ESP), the G allele has an overall frequency of approximately 0.22% (23/10,564) total alleles studied, having been observed in 0.7% (23/3,288) African American alleles. To date, this alteration has been detected with an allele frequency of approximately 0.29% (greater than 350 alleles tested) in our clinical cohort. This amino acid position is not well conserved in available vertebrate species. Using two different splice site prediction tools, this alteration does not have any significant effect on this splice donor site (and an online resource). However, experimental evidence is not available. Since supporting evidence is limited at this time, the clinical significance of c.1390-11A>G remains unclear.

PreventionGenetics, part of Exact Sciences
Classification: Benign. Review status: criteria provided, single submitter. Criteria: ACMG Guidelines, 2015. Collection method: clinical testing. Allele origin: germline.

Dr. Peter K. Rogan Lab, Western University
No classification provided (evidence only). Condition: Lung cancer. Review status: no classification provided. Collection method: in vitro. Allele origin: not applicable. Functional consequence: retained intron. Not counted in ClinVar's aggregate classification.

Dr. Peter K. Rogan Lab, Western University
No classification provided (evidence only). Condition: Lung cancer. Review status: no classification provided. Collection method: in vitro. Allele origin: not applicable. Functional consequence: retained intron. Not counted in ClinVar's aggregate classification.

Dr. Peter K. Rogan Lab, Western University
No classification provided (evidence only). Condition: Thymoma. Review status: no classification provided. Collection method: in vitro. Allele origin: not applicable. Functional consequence: retained intron. Not counted in ClinVar's aggregate classification.